The following is an entry in ClinVar:

ClinVar aggregate classification (germline): Pathogenic/Likely pathogenic. Review status: criteria provided, multiple submitters, no conflicts (2 of 4 stars). 3 submissions from 3 submitters: Pathogenic (1); Likely pathogenic (2). Last evaluated 2025-05-29.

Conditions:
Congenital hyperammonemia, type I. Also called: CPS I DEFICIENCY; Carbamoyl phosphate synthetase 1 deficiency; Hyperammonemia due to carbamoyl phosphate synthetase 1 deficiency; CPS 1 deficiency; Carbamyl phosphate synthetase (CPS) deficiency; Carbamoyl phosphate synthetase I deficiency disease. Identifiers: Orphanet 147, MedGen C4082171, MONDO:0009376, OMIM 237300.

Allele frequency attached by ClinVar (database versions not stated): gnomAD exomes below 0.00001.
gnomAD v4.1: 1 of 1,613,728 alleles (0.000062%); highest among the groups gnomAD compares: Non-Finnish European, 0.000085%; no homozygotes.

Submissions (3):

Women's Health and Genetics/Laboratory Corporation of America, LabCorp
Classification: Likely pathogenic for Congenital hyperammonemia, type I. Last evaluated: 2025-05-29. Review status: criteria provided, single submitter. Criteria: LabCorp Variant Classification Summary - May 2015. Collection method: clinical testing. Allele origin: germline.
Comment: Variant summary: CPS1 c.4404+3A>G alters a conserved nucleotide located close to a canonical splice site and therefore could affect mRNA splicing, leading to a significantly altered protein sequence. Several computational tools predict a significant impact on normal splicing: Three predict the variant abolishes a canonical 5' splicing donor site. At least one publication reports experimental evidence that this variant results in skipping of exon 37 and introduces a new termination codon Leu1426* (Isler_2020). Variant downstream of this position (p.Arg1453Trp Variation ID: 967151) has been determined pathogenic suggesting the region is critical for normal protein function. The variant was absent in 251308 control chromosomes. c.4404+3A>G has been observed in individual(s) affected with Carbamoylphosphate Synthetase I Deficiency (example: Makris_2021). These data indicate that the variant may be associated with disease.The following publications have been ascertained in the context of this evaluation (PMID: 32154057, 33309754). ClinVar contains an entry for this variant (Variation ID: 2439535). Based on the evidence outlined above, the variant was classified as likely pathogenic.

Labcorp Genetics (formerly Invitae), Labcorp
Classification: Pathogenic for Congenital hyperammonemia, type I. Last evaluated: 2023-11-13. Review status: criteria provided, single submitter. Criteria: Invitae Variant Classification Sherloc (09022015). Collection method: clinical testing. Allele origin: germline.
Comment: This sequence change falls in intron 37 of the CPS1 gene. It does not directly change the encoded amino acid sequence of the CPS1 protein. RNA analysis indicates that this variant induces altered splicing and likely disrupts the C-terminus of the protein. This variant is not present in population databases (gnomAD no frequency). This variant has been observed in individual(s) with clinical features of carbamoyl phosphate synthetase I deficiency (PMID: 33309754). ClinVar contains an entry for this variant (Variation ID: 2439535). Variants that disrupt the consensus splice site are a relatively common cause of aberrant splicing (PMID: 17576681, 9536098). Studies have shown that this variant results in skipping of exon 37 and introduces a new termination codon (PMID: 32154057). However the mRNA is not expected to undergo nonsense-mediated decay. This variant disrupts a region of the CPS1 protein in which other variant(s) (p.Arg1453Trp) have been determined to be pathogenic (PMID: 20578160, 21120950, 22173106). This suggests that this is a clinically significant region of the protein, and that variants that disrupt it are likely to be disease-causing. For these reasons, this variant has been classified as Pathogenic.

Revvity Omics, Revvity
Classification: Likely pathogenic for Congenital hyperammonemia, type I. Last evaluated: 2021-12-15. Review status: criteria provided, single submitter. Criteria: ACMG Guidelines, 2015. Collection method: clinical testing. Allele origin: germline.

Literature cited by the submitters: PubMed 33309754 (cited by Women's Health and Genetics/Laboratory Corporation of America, LabCorp and Labcorp Genetics (formerly Invitae), Labcorp); PubMed 32154057 (cited by Women's Health and Genetics/Laboratory Corporation of America, LabCorp and Labcorp Genetics (formerly Invitae), Labcorp); PubMed 17576681 (cited by Labcorp Genetics (formerly Invitae), Labcorp); PubMed 9536098 (cited by Labcorp Genetics (formerly Invitae), Labcorp); PubMed 20578160 (cited by Labcorp Genetics (formerly Invitae), Labcorp); PubMed 21120950 (cited by Labcorp Genetics (formerly Invitae), Labcorp); PubMed 22173106 (cited by Labcorp Genetics (formerly Invitae), Labcorp).

NM_001875.5(CPS1):c.4404+3A>G

Gene: CPS1 (carbamoyl-phosphate synthase 1; plus strand). Cytogenetic location: 2q34.
Variant type: single nucleotide variant.
Coding change: c.4404+3A>G on transcript NM_001875.5 (MANE Select); 3 bases into the intron after coding-DNA position 4404, A replaced by G.
Molecular consequence: intron variant.
Genome position (GRCh38, 1-based): chr2:210,677,139, A>G. VCF-style: chr2-210677139-A-G. GRCh37 (hg19) VCF-style: chr2-211541863-A-G.
Other names: c.4404+3A>G (NM_001369257.1, NM_001122633.3); c.4437+3A>G (NM_001369256.1).
Identifiers: ClinVar variation 2439535 (VCV002439535.7), dbSNP rs2469385921, ClinGen allele CA2580065575.